The following is an entry in ClinVar:

ClinVar aggregate classification (germline): Uncertain significance. Review status: criteria provided, multiple submitters, no conflicts (2 of 4 stars). 3 submissions from 2 submitters: Uncertain significance (3). Last evaluated 2025-08-07.

Conditions:
Leigh syndrome (NULS). Also called: Subacute necrotizing encephalopathy; Necrotizing encephalopathy infantile subacute of Leigh; Leigh's necrotizing encephalopathy; Leigh's disease; Leigh's syndrome; LEIGH SYNDROME, NUCLEAR. Identifiers: Orphanet 506, MedGen C2931891, MONDO:0009723, OMIM 256000.
Mitochondrial complex I deficiency, nuclear type 1. Also called: NADH-COENZYME Q REDUCTASE DEFICIENCY; MITOCHONDRIAL NADH DEHYDROGENASE COMPONENT OF COMPLEX I, DEFICIENCY OF. Identifiers: MedGen C6022305, MONDO:0100224, OMIM 252010.

Allele frequency attached by ClinVar (database versions not stated): gnomAD exomes 0.00001; gnomAD 0.00002; TOPMed 0.00001.
gnomAD v4.1: 9 of 1,613,062 alleles (0.00056%); highest among the groups gnomAD compares: Non-Finnish European, 0.00076%; no homozygotes.

Submissions (3):

GeneDx
Classification: Uncertain significance. Last evaluated: 2025-08-07. Review status: criteria provided, single submitter. Criteria: GeneDx Variant Classification Process June 2021. Collection method: clinical testing. Allele origin: germline.
Comment: Not observed at significant frequency in large population cohorts (gnomAD); In silico analysis suggests that this missense variant does not alter protein structure/function; Has not been previously published as pathogenic or benign to our knowledge

Illumina Laboratory Services, Illumina
Classification: Uncertain significance for Mitochondrial complex I deficiency, nuclear type 1. Last evaluated: 2017-04-27. Review status: criteria provided, single submitter. Criteria: ICSL Variant Classification Criteria 13 December 2019. Collection method: clinical testing. Allele origin: germline.

Illumina Laboratory Services, Illumina
Classification: Uncertain significance for Leigh syndrome. Last evaluated: 2017-04-27. Review status: criteria provided, single submitter. Criteria: ICSL Variant Classification Criteria 13 December 2019. Collection method: clinical testing. Allele origin: germline.

NM_002495.4(NDUFS4):c.107G>A (p.Arg36Lys)

Gene: NDUFS4 (NADH:ubiquinone oxidoreductase subunit S4; plus strand). Cytogenetic location: 5q11.2.
Variant type: single nucleotide variant.
Coding change: c.107G>A on transcript NM_002495.4 (MANE Select); coding-DNA position 107, G replaced by A.
Protein change: p.Arg36Lys; replaces arginine 36 with lysine.
Molecular consequence: missense variant. On other transcripts: non-coding transcript variant (3).
Genome position (GRCh38, 1-based): chr5:53,603,460, G>A. VCF-style: chr5-53603460-G-A. GRCh37 (hg19) VCF-style: chr5-52899290-G-A.
Other names: c.107G>A, p.Arg36Lys (NM_001318051.2); short protein forms R36K.
Identifiers: ClinVar variation 907333 (VCV000907333.6), dbSNP rs1022912416, ClinGen allele CA119130787.